The following is an entry in ClinVar:

ClinVar aggregate classification (germline): Uncertain significance (1 of 4 stars; one submission).

Submission:

Labcorp Genetics (formerly Invitae), Labcorp
Classification: Uncertain significance. Last evaluated: 2022-06-26. Review status: criteria provided, single submitter. Criteria: Invitae Variant Classification Sherloc (09022015). Collection method: clinical testing. Allele origin: germline.
Comment: This sequence change replaces proline, which is neutral and non-polar, with arginine, which is basic and polar, at codon 21 of the WNT2B protein (p.Pro21Arg). This variant is present in population databases (rs763102290, gnomAD 0.01%). This variant has not been reported in the literature in individuals affected with WNT2B-related conditions. Algorithms developed to predict the effect of missense changes on protein structure and function are either unavailable or do not agree on the potential impact of this missense change (SIFT: "Tolerated"; PolyPhen-2: "Possibly Damaging"; Align-GVGD: "Class C0"). In summary, the available evidence is currently insufficient to determine the role of this variant in disease. Therefore, it has been classified as a Variant of Uncertain Significance.

NM_024494.3(WNT2B):c.62C>G (p.Pro21Arg)

Genes: WNT2B (Wnt family member 2B; plus strand), LOC122094899 (Sharpr-MPRA regulatory region 8072; plus strand). Cytogenetic location: 1p13.2.
Variant type: single nucleotide variant.
Coding change: c.62C>G on transcript NM_024494.3 (MANE Select); coding-DNA position 62, C replaced by G.
Protein change: p.Pro21Arg; replaces proline 21 with arginine.
Molecular consequence: missense variant. On other transcripts: intron variant (2).
Genome position (GRCh38, 1-based): chr1:112,509,324, C>G. VCF-style: chr1-112509324-C-G. GRCh37 (hg19) VCF-style: chr1-113051946-C-G.
Other names: c.126-5550C>G (NM_004185.4); c.-94-5550C>G (NM_001291880.1); short protein forms P21R.
Identifiers: ClinVar variation 1972774 (VCV001972774.2), dbSNP rs763102290, ClinGen allele CA1008162.
Genomic context (GRCh38, chr1:112,509,324, plus strand): 5'-TGCTGAGACCGGGTGGTGCGGAGGAAGCTGCGCAGCTCCCGCTTCGGCGCGCCAGCGCCC[C>G]GGTCCCTGTGCCGTCGCCCGCGGCCCCCGACGGCTCCCGGGCTTCGGCCCGCCTAGGTCT-3'
Protein context (NP_078613.1, residues 11-31): AQLPLRRASA[Pro21Arg]VPVPSPAAPD